The following is an entry in ClinVar:

NM_001042492.3(NF1):c.1364G>A (p.Gly455Glu)

Gene: NF1 (neurofibromin 1; plus strand). Cytogenetic location: 17q11.2.
Variant type: single nucleotide variant.
Coding change: c.1364G>A on transcript NM_001042492.3 (MANE Select); coding-DNA position 1364, G replaced by A.
Protein change: p.Gly455Glu; replaces glycine 455 with glutamic acid.
Molecular consequence: missense variant.
Genome position (GRCh38, 1-based): chr17:31,206,343, G>A. VCF-style: chr17-31206343-G-A. GRCh37 (hg19) VCF-style: chr17-29533361-G-A.
Other names: c.1364G>A, p.Gly455Glu (NM_000267.4, NM_001128147.3); short protein forms G455E.
Identifiers: ClinVar variation 2748597 (VCV002748597.3), dbSNP rs2143915100, ClinGen allele CA398999744.

ClinVar aggregate classification (germline): Uncertain significance (1 of 4 stars; one submission).

Conditions:
Neurofibromatosis, type 1 (NF1). Also called: Peripheral type neurofibromatosis; NEUROFIBROMATOSIS, TYPE I, SOMATIC; VON RECKLINGHAUSEN DISEASE; Neurofibromatosis, type I. Identifiers: Orphanet 636, MedGen C0027831, MONDO:0018975, OMIM 162200. Disease mechanism: loss of function.

Submission:

Labcorp Genetics (formerly Invitae), Labcorp
Classification: Uncertain significance for Neurofibromatosis, type 1. Last evaluated: 2023-07-31. Review status: criteria provided, single submitter. Criteria: Invitae Variant Classification Sherloc (09022015). Collection method: clinical testing. Allele origin: germline.
Comment: In summary, the available evidence is currently insufficient to determine the role of this variant in disease. Therefore, it has been classified as a Variant of Uncertain Significance. Advanced modeling of protein sequence and biophysical properties (such as structural, functional, and spatial information, amino acid conservation, physicochemical variation, residue mobility, and thermodynamic stability) performed at Invitae indicates that this missense variant is not expected to disrupt NF1 protein function. This variant has not been reported in the literature in individuals affected with NF1-related conditions. This variant is not present in population databases (gnomAD no frequency). This sequence change replaces glycine, which is neutral and non-polar, with glutamic acid, which is acidic and polar, at codon 455 of the NF1 protein (p.Gly455Glu).